The following is an entry in ClinVar:

ClinVar aggregate classification (germline): Uncertain significance (1 of 4 stars; one submission).

Submission:

Labcorp Genetics (formerly Invitae), Labcorp
Classification: Uncertain significance. Last evaluated: 2025-05-19. Review status: criteria provided, single submitter. Criteria: Invitae Variant Classification Sherloc (09022015). Collection method: clinical testing. Allele origin: germline.
Comment: This sequence change replaces isoleucine, which is neutral and non-polar, with leucine, which is neutral and non-polar, at codon 1686 of the ALPK3 protein (p.Ile1686Leu). This variant is present in population databases (no rsID available, gnomAD 0.006%). This variant has not been reported in the literature in individuals affected with ALPK3-related conditions. Invitae Evidence Modeling of protein sequence and biophysical properties (such as structural, functional, and spatial information, amino acid conservation, physicochemical variation, residue mobility, and thermodynamic stability) indicates that this missense variant is expected to disrupt ALPK3 protein function with a positive predictive value of 80%. In summary, the available evidence is currently insufficient to determine the role of this variant in disease. Therefore, it has been classified as a Variant of Uncertain Significance.

NM_020778.5(ALPK3):c.4450A>C (p.Ile1484Leu)

Gene: ALPK3 (alpha kinase 3; plus strand). Cytogenetic location: 15q25.3.
Variant type: single nucleotide variant.
Coding change: c.4450A>C on transcript NM_020778.5 (MANE Select); coding-DNA position 4450, A replaced by C.
Protein change: p.Ile1484Leu; replaces isoleucine 1484 with leucine.
Molecular consequence: missense variant.
Genome position (GRCh38, 1-based): chr15:84,863,591, A>C. VCF-style: chr15-84863591-A-C. GRCh37 (hg19) VCF-style: chr15-85406822-A-C.
Other names: short protein forms I1484L.
Identifiers: ClinVar variation 4809425 (VCV004809425.1).